The following is an entry in ClinVar:

NM_001257180.2(SLC20A2):c.1704G>A (p.Pro568=)

Gene: SLC20A2 (solute carrier family 20 member 2; minus strand). Cytogenetic location: 8p11.21.
Variant type: single nucleotide variant.
Coding change: c.1704G>A on transcript NM_001257180.2 (MANE Select); coding-DNA position 1704, G replaced by A.
Protein change: p.Pro568=; no amino-acid change (proline 568 retained).
Molecular consequence: synonymous variant.
Genome position (GRCh38, 1-based): chr8:42,430,069, C>T on the plus strand (G>A on the coding strand, the complement: SLC20A2 is on the minus strand). VCF-style: chr8-42430069-C-T. GRCh37 (hg19) VCF-style: chr8-42287587-C-T.
Other names: c.1704G>A, p.Pro568= (NM_001257181.2, NM_006749.5).
Identifiers: ClinVar variation 735360 (VCV000735360.5), dbSNP rs372331061, ClinGen allele CA4733250.

ClinVar aggregate classification (germline): Likely benign. Review status: criteria provided, multiple submitters, no conflicts (2 of 4 stars). 2 submissions from 2 submitters: Likely benign (2). Last evaluated 2026-04-01.

Allele frequency attached by ClinVar (database versions not stated): gnomAD exomes 0.00002; ExAC 0.00003; TOPMed 0.00006; gnomAD 0.00007; ESP Exome Variant Server 0.00008; 1000 Genomes Project 30x 0.00016; 1000 Genomes Project 0.00020.
gnomAD v4.1: 35 of 1,608,538 alleles (0.0022%); highest among the groups gnomAD compares: African/African-American, 0.02%; no homozygotes.

Submissions (2):

CeGaT Center for Human Genetics Tuebingen
Classification: Likely benign. Last evaluated: 2026-04-01. Review status: criteria provided, single submitter. Criteria: CeGaT Center For Human Genetics Tuebingen Variant Classification Criteria Version 2. Collection method: clinical testing. Allele origin: germline. Affected: yes. Observed: 1 variant allele.
Comment: SLC20A2: BP4, BP7

Labcorp Genetics (formerly Invitae), Labcorp
Classification: Likely benign. Last evaluated: 2018-03-29. Review status: criteria provided, single submitter. Criteria: Invitae Variant Classification Sherloc (09022015). Collection method: clinical testing. Allele origin: germline.